The following is an entry in ClinVar:

ClinVar aggregate classification (germline): Uncertain significance (1 of 4 stars; one submission).

Conditions:
Hereditary cancer-predisposing syndrome. Also called: Tumor predisposition; Hereditary neoplastic syndrome; Neoplastic Syndromes, Hereditary; Hereditary Cancer Syndrome. Identifiers: Orphanet 140162, MedGen C0027672, MeSH D009386, MONDO:0015356.

Submission:

Labcorp Genetics (formerly Invitae), Labcorp
Classification: Uncertain significance for Hereditary cancer-predisposing syndrome. Last evaluated: 2021-04-21. Review status: criteria provided, single submitter. Criteria: Invitae Variant Classification Sherloc (09022015). Collection method: clinical testing. Allele origin: germline.
Comment: In summary, the available evidence is currently insufficient to determine the role of this variant in disease. Therefore, it has been classified as a Variant of Uncertain Significance. Algorithms developed to predict the effect of missense changes on protein structure and function output the following: SIFT: "Tolerated"; PolyPhen-2: "Benign"; Align-GVGD: "Class C0". The threonine amino acid residue is found in multiple mammalian species, suggesting that this missense change does not adversely affect protein function. These predictions have not been confirmed by published functional studies and their clinical significance is uncertain. This variant has not been reported in the literature in individuals with RAD50-related conditions. This variant is not present in population databases (ExAC no frequency). This sequence change replaces methionine with threonine at codon 208 of the RAD50 protein (p.Met208Thr). The methionine residue is weakly conserved and there is a moderate physicochemical difference between methionine and threonine.

NM_005732.4(RAD50):c.623T>C (p.Met208Thr)

Gene: RAD50 (RAD50 double strand break repair protein; plus strand). Cytogenetic location: 5q31.1.
Variant type: single nucleotide variant.
Coding change: c.623T>C on transcript NM_005732.4 (MANE Select); coding-DNA position 623, T replaced by C.
Protein change: p.Met208Thr; replaces methionine 208 with threonine.
Molecular consequence: missense variant.
Genome position (GRCh38, 1-based): chr5:132,579,933, T>C. VCF-style: chr5-132579933-T-C. GRCh37 (hg19) VCF-style: chr5-131915625-T-C.
Other names: short protein forms M208T.
Identifiers: ClinVar variation 1499320 (VCV001499320.8), dbSNP rs2149837969, ClinGen allele CA360935963.